The following is an entry in ClinVar:

ClinVar aggregate classification (germline): Likely benign. Review status: criteria provided, multiple submitters, no conflicts (2 of 4 stars). 2 submissions from 2 submitters: Likely benign (2). Last evaluated 2025-09-01.

gnomAD v4.1: 1,287 of 1,614,138 alleles (0.08%); highest among the groups gnomAD compares: Non-Finnish European, 0.1%; 3 homozygotes.

Submissions (2):

CeGaT Center for Human Genetics Tuebingen
Classification: Likely benign. Last evaluated: 2025-09-01. Review status: criteria provided, single submitter. Criteria: CeGaT Center For Human Genetics Tuebingen Variant Classification Criteria Version 2. Collection method: clinical testing. Allele origin: germline. Affected: yes. Observed: 1 variant allele.
Comment: BCL6: BP4, BP7

Ambry Genetics
Classification: Likely benign. Last evaluated: 2024-10-20. Review status: criteria provided, single submitter. Criteria: Ambry Variant Classification Scheme 2023. Collection method: clinical testing. Allele origin: germline.

NM_001706.5(BCL6):c.735G>A (p.Pro245=)

Genes: BCL6 (BCL6 transcription repressor; minus strand), LOC100131635 (hCG1645011-like; plus strand). Cytogenetic location: 3q27.3.
Variant type: single nucleotide variant.
Coding change: c.735G>A on transcript NM_001706.5 (MANE Select); coding-DNA position 735, G replaced by A.
Protein change: p.Pro245=; no amino-acid change (proline 245 retained).
Molecular consequence: synonymous variant.
Genome position (GRCh38, 1-based): chr3:187,729,670, C>T on the plus strand (G>A on the coding strand, the complement: BCL6 is on the minus strand). VCF-style: chr3-187729670-C-T. GRCh37 (hg19) VCF-style: chr3-187447458-C-T.
Other names: c.735G>A, p.Pro245= (NM_001130845.2, NM_001134738.2).
Identifiers: ClinVar variation 3480165 (VCV003480165.8).